The following is an entry in ClinVar:

ClinVar aggregate classification (germline): Uncertain significance. Review status: criteria provided, multiple submitters, no conflicts (2 of 4 stars). 2 submissions from 2 submitters: Uncertain significance (2). Last evaluated 2026-02-17.

Conditions:
Inborn genetic diseases. Identifiers: MedGen C0950123, MeSH D030342.

Allele frequency attached by ClinVar (database versions not stated): gnomAD exomes below 0.00001.
gnomAD v4.1: 4 of 1,614,048 alleles (0.00025%); highest among the groups gnomAD compares: South Asian, 0.0044%; no homozygotes.

Submissions (2):

GeneDx
Classification: Uncertain significance. Last evaluated: 2026-02-17. Review status: criteria provided, single submitter. Criteria: GeneDx Variant Classification Process June 2021. Collection method: clinical testing. Allele origin: germline.
Comment: Not observed at significant frequency in large population cohorts (gnomAD); In silico analysis suggests that this missense variant does not alter protein structure/function; Has not been previously published as pathogenic or benign to our knowledge

Ambry Genetics
Classification: Uncertain significance for Inborn genetic diseases. Last evaluated: 2023-10-30. Review status: criteria provided, single submitter. Criteria: Ambry Variant Classification Scheme 2023. Collection method: clinical testing. Allele origin: germline.

NM_144672.4(OTOA):c.461G>C (p.Gly154Ala)

Gene: OTOA (otoancorin). Cytogenetic location: 16p12.2.
Variant type: single nucleotide variant.
Coding change: c.461G>C on transcript NM_144672.4 (MANE Select); coding-DNA position 461, G replaced by C.
Protein change: p.Gly154Ala; replaces glycine 154 with alanine.
Molecular consequence: missense variant.
Genome position (GRCh38, 1-based): chr16:21,687,474, G>C. VCF-style: chr16-21687474-G-C. GRCh37 (hg19) VCF-style: chr16-21698795-G-C.
Other names: c.224G>C, p.Gly75Ala (NM_001161683.2); short protein forms G154A, G75A.
Identifiers: ClinVar variation 3207212 (VCV003207212.2), dbSNP rs1208308272, ClinGen allele CA395055199.